The following is an entry in ClinVar:

ClinVar aggregate classification (germline): Uncertain significance (1 of 4 stars; one submission).

Submission:

GeneDx
Classification: Uncertain significance. Last evaluated: 2024-05-18. Review status: criteria provided, single submitter. Criteria: GeneDx Variant Classification Process June 2021. Collection method: clinical testing. Allele origin: germline. Affected: yes.
Comment: Not observed at significant frequency in large population cohorts (gnomAD); In silico analysis indicates that this variant does not alter splicing; Has not been previously published as pathogenic or benign to our knowledge

NM_020791.4(TAOK1):c.999G>A (p.Glu333=)

Gene: TAOK1 (TAO kinase 1; plus strand). Cytogenetic location: 17q11.2.
Variant type: single nucleotide variant.
Coding change: c.999G>A on transcript NM_020791.4 (MANE Select); coding-DNA position 999, G replaced by A.
Protein change: p.Glu333=; no amino-acid change (glutamic acid 333 retained).
Molecular consequence: synonymous variant.
Genome position (GRCh38, 1-based): chr17:29,495,727, G>A. VCF-style: chr17-29495727-G-A. GRCh37 (hg19) VCF-style: chr17-27822745-G-A.
Other names: c.999G>A, p.Glu333= (NM_025142.1).
Identifiers: ClinVar variation 3377984 (VCV003377984.1).
Genomic context (GRCh38, chr17:29,495,727, plus strand): 5'-GAAACTCCTTTTCCAGGAGGCACATAATGGACCAGCAGTAGAAGCACAGGAAGAAGAAGA[G>A]GTAAGAGATAAAAAAATGACTCCAATATTGAATTTTCACTTTTGGTTTCTTTCCTTATGC-3'
Protein context (NP_065842.1, residues 323-343): GPAVEAQEEE[Glu333=]EQDHGVGRTG